The following is an entry in ClinVar:

NM_000313.4(PROS1):c.76+7A>G

Gene: PROS1 (protein S; minus strand). Cytogenetic location: 3q11.1.
Variant type: single nucleotide variant.
Coding change: c.76+7A>G on transcript NM_000313.4 (MANE Select); 7 bases into the intron after coding-DNA position 76, A replaced by G.
Molecular consequence: intron variant.
Genome position (GRCh38, 1-based): chr3:93,973,667, T>C on the plus strand (A>G on the coding strand, the complement: PROS1 is on the minus strand). VCF-style: chr3-93973667-T-C. GRCh37 (hg19) VCF-style: chr3-93692511-T-C.
Other names: p.?; c.76+7A>G (NM_001314077.2).
Identifiers: ClinVar variation 215729 (VCV000215729.50), dbSNP rs201928951, ClinGen allele CA338811.
Genomic context (GRCh38, chr3:93,973,667, plus strand): 5'-CCAACCAGGGCACGCAGTTCAGTCGACAATGCTGGGGAAGGGAGAAGAGACGCTATTGAT[T>C]ACTCACAGTTTGCCTCTGAGACGGGAAGCACTAGGAGGAGACACGCCAGCAGCGCCCCGC-3'

ClinVar aggregate classification (germline): Conflicting classifications of pathogenicity. Review status: criteria provided, conflicting classifications (1 of 4 stars). 8 submissions from 8 submitters: Uncertain significance (2); Benign (2); Likely benign (2). 2 of the submissions do not count toward it. Last evaluated 2025-12-24.

Conditions:
Thrombophilia due to protein S deficiency, autosomal recessive (THPH6). Identifiers: Orphanet 743, MedGen C3281092, MONDO:0013791, OMIM 614514. Disease mechanism: loss of function.
Thrombophilia due to protein S deficiency, autosomal dominant (THPH5). Identifiers: Orphanet 26349, Orphanet 743, MedGen C3278211, MONDO:0012868, OMIM 612336. Disease mechanism: loss of function.
PROS1-related disorder. Also called: PROS1-related condition.
Protein S deficiency disease. Also called: Protein S deficiency. Identifiers: MedGen C0242666, MeSH D018455, MONDO:0002304.

Allele frequency attached by ClinVar (database versions not stated): TOPMed 0.00051; ESP Exome Variant Server 0.00054; gnomAD 0.00054 and 0.00056; ExAC 0.00056; gnomAD exomes 0.00077.
gnomAD v4.1: 707 of 1,613,266 alleles (0.044%); highest among the groups gnomAD compares: Non-Finnish European, 0.0086%; 4 homozygotes.

Submissions (8):

Labcorp Genetics (formerly Invitae), Labcorp
Classification: Benign for Thrombophilia due to protein S deficiency, autosomal recessive. Last evaluated: 2025-12-24. Review status: criteria provided, single submitter. Criteria: Invitae Variant Classification Sherloc (09022015). Collection method: clinical testing. Allele origin: germline.

Mayo Clinic Laboratories, Mayo Clinic
Classification: Likely benign. Last evaluated: 2025-10-15. Review status: criteria provided, single submitter. Criteria: ACMG Guidelines, 2015. Collection method: clinical testing. Allele origin: germline. Observed: 5 variant alleles.
Comment: BS2, BP4, BP7, PP1

Institute of Immunology and Genetics Kaiserslautern
Classification: Uncertain significance for Thrombophilia due to protein S deficiency, autosomal dominant. Last evaluated: 2025-06-04. Review status: criteria provided, single submitter. Criteria: ACMG Guidelines, 2015. Collection method: clinical testing. Allele origin: germline. Affected: yes.
Comment: ACMG Criteria: PM2, BP7; Variant was found in heterozygous state.

CeGaT Center for Human Genetics Tuebingen
Classification: Likely benign. Last evaluated: 2024-06-01. Review status: criteria provided, single submitter. Criteria: CeGaT Center For Human Genetics Tuebingen Variant Classification Criteria Version 2. Collection method: clinical testing. Allele origin: germline. Affected: yes. Observed: 2 variant alleles.
Comment: PROS1: BP4

Mendelics
Classification: Benign for Thrombophilia due to protein S deficiency, autosomal dominant. Last evaluated: 2019-05-28. Review status: criteria provided, single submitter. Criteria: Mendelics Assertion Criteria 2017. Collection method: clinical testing. Allele origin: unknown.

NIHR Bioresource Rare Diseases, University of Cambridge
Classification: Uncertain significance for Reduced protein S activity. Last evaluated: 2019-02-01. Review status: criteria provided, single submitter. Criteria: ACMG Guidelines, 2015. Collection method: research. Allele origin: unknown. Affected: yes. Observed: 1 heterozygote. Study: ThromboGenomics.

Department of Transfusion Medicine and Hemostaseology, University Hospital Erlangen
Classification: Likely pathogenic for Thrombophilia due to protein S deficiency, autosomal dominant. Last evaluated: 2025-09-01. Review status: no assertion criteria provided. Collection method: clinical testing. Allele origin: germline. Not counted in ClinVar's aggregate classification.
Comment: This variant was identified during a screening of patients with suspected hereditary Protein S deficiency. It has been described in the literature as correlating with protein S deficiency (PMID: 8943854, 10706858), but has not been characterized in vitro. According to dbSNP it represents a very rare genetic alteration, previously detected in the European population in heterozygous state only according to the Allele Frequency Aggregator dataset. While varSEAK classifies this variant as likely benign, it is classified as of uncertain significance by SpliceAI and as likely pathogenic by CAPICE. Taken together, we classified this variant as likely pathogenic.

PreventionGenetics, part of Exact Sciences
Classification: Likely benign for PROS1-related condition. Last evaluated: 2023-05-17. Review status: no assertion criteria provided. Collection method: clinical testing. Allele origin: germline. Not counted in ClinVar's aggregate classification.
Comment: This variant is classified as likely benign based on ACMG/AMP sequence variant interpretation guidelines (Richards et al. 2015 PMID: 25741868, with internal and published modifications).

Literature cited by the submitters: PubMed 10706858 (cited by Mayo Clinic Laboratories, Mayo Clinic and Department of Transfusion Medicine and Hemostaseology, University Hospital Erlangen); PubMed 25272994 (cited by Mayo Clinic Laboratories, Mayo Clinic); PubMed 31064749 (cited by Mayo Clinic Laboratories, Mayo Clinic and NIHR Bioresource Rare Diseases, University of Cambridge); PubMed 8943854 (cited by Mayo Clinic Laboratories, Mayo Clinic and Department of Transfusion Medicine and Hemostaseology, University Hospital Erlangen).